The following is an entry in ClinVar:

ClinVar aggregate classification (germline): Benign. Review status: criteria provided, multiple submitters, no conflicts (2 of 4 stars). 2 submissions from 2 submitters: Benign (2). Last evaluated 2018-06-14.

Allele frequency attached by ClinVar (database versions not stated): TOPMed 0.75742; gnomAD exomes 0.85694; 1000 Genomes Project 0.73542; gnomAD 0.77245 and 0.76606; 1000 Genomes Project 30x 0.73423.

Submissions (2):

GeneDx
Classification: Benign. Last evaluated: 2018-06-14. Review status: criteria provided, single submitter. Criteria: GeneDx Variant Classification (06012015). Collection method: clinical testing. Allele origin: germline. Affected: yes.
Comment: This variant is considered likely benign or benign based on one or more of the following criteria: it is a conservative change, it occurs at a poorly conserved position in the protein, it is predicted to be benign by multiple in silico algorithms, and/or has population frequency not consistent with disease.

Breakthrough Genomics
Classification: Benign. Review status: criteria provided, single submitter. Criteria: ACMG Guidelines, 2015. Collection method: not provided. Allele origin: germline. Inheritance: Autosomal recessive inheritance. Affected: yes.

NM_020631.4(PLEKHG5):c.-28234G>A

Gene: PLEKHG5 (pleckstrin homology and RhoGEF domain containing G5; minus strand). Cytogenetic location: 1p36.31.
Variant type: single nucleotide variant.
Coding change: c.-28234G>A on transcript NM_020631.4; 28234 bases upstream of the start codon, G replaced by A.
Molecular consequence: 5 prime UTR variant (on NM_198681.4).
Genome position (GRCh38, 1-based): chr1:6,519,783, C>T on the plus strand (G>A on the coding strand, the complement: PLEKHG5 is on the minus strand). VCF-style: chr1-6519783-C-T. GRCh37 (hg19) VCF-style: chr1-6579843-C-T.
Other names: c.-503G>A (NM_198681.4).
Identifiers: ClinVar variation 667919 (VCV000667919.4), dbSNP rs1010584, ClinGen allele CA10830899.